The following is an entry in ClinVar:

ClinVar aggregate classification (germline): Uncertain significance. Review status: criteria provided, multiple submitters, no conflicts (2 of 4 stars). 2 submissions from 2 submitters: Uncertain significance (2). Last evaluated 2025-07-10.

Conditions:
Seizures, benign familial infantile, 3 (BFIS3). Also called: CONVULSIONS, BENIGN FAMILIAL INFANTILE, 3; Familial neonatal seizures. Identifiers: Orphanet 140927, Orphanet 306, MedGen C1843140, MONDO:0011904, OMIM 607745.
Developmental and epileptic encephalopathy, 11 (DEE11). Also called: Early infantile epileptic encephalopathy 11. Identifiers: Orphanet 1934, MedGen C3150987, MONDO:0013388, OMIM 613721.

Allele frequency attached by ClinVar (database versions not stated): gnomAD exomes 0.00001.
gnomAD v4.1: 3 of 1,613,206 alleles (0.00019%); highest among the groups gnomAD compares: East Asian, 0.0022%; no homozygotes.

Submissions (2):

GeneDx
Classification: Uncertain significance. Last evaluated: 2025-07-10. Review status: criteria provided, single submitter. Criteria: GeneDx Variant Classification Process June 2021. Collection method: clinical testing. Allele origin: germline. Affected: yes.
Comment: Not observed at significant frequency in large population cohorts (gnomAD); In silico analysis suggests that this missense variant does not alter protein structure/function; Has not been previously published as pathogenic or benign to our knowledge; In silico analysis suggests this variant may impact gene splicing. In the absence of RNA/functional studies, the actual effect of this sequence change is unknown.

Labcorp Genetics (formerly Invitae), Labcorp
Classification: Uncertain significance for Seizures, benign familial infantile, 3; Developmental and epileptic encephalopathy, 11. Last evaluated: 2023-07-12. Review status: criteria provided, single submitter. Criteria: Invitae Variant Classification Sherloc (09022015). Collection method: clinical testing. Allele origin: germline.
Comment: In summary, the available evidence is currently insufficient to determine the role of this variant in disease. Therefore, it has been classified as a Variant of Uncertain Significance. Algorithms developed to predict the effect of sequence changes on RNA splicing suggest that this variant may create or strengthen a splice site. Advanced modeling of protein sequence and biophysical properties (such as structural, functional, and spatial information, amino acid conservation, physicochemical variation, residue mobility, and thermodynamic stability) performed at Invitae indicates that this missense variant is not expected to disrupt SCN2A protein function. This variant has not been reported in the literature in individuals affected with SCN2A-related conditions. This variant is not present in population databases (gnomAD no frequency). This sequence change replaces asparagine, which is neutral and polar, with serine, which is neutral and polar, at codon 298 of the SCN2A protein (p.Asn298Ser).

NM_001040142.2(SCN2A):c.893A>G (p.Asn298Ser)

Gene: SCN2A (sodium voltage-gated channel alpha subunit 2; plus strand). Cytogenetic location: 2q24.3.
Variant type: single nucleotide variant.
Coding change: c.893A>G on transcript NM_001040142.2 (MANE Select); coding-DNA position 893, A replaced by G.
Protein change: p.Asn298Ser; replaces asparagine 298 with serine.
Molecular consequence: missense variant.
Genome position (GRCh38, 1-based): chr2:165,310,518, A>G. VCF-style: chr2-165310518-A-G. GRCh37 (hg19) VCF-style: chr2-166167028-A-G.
Other names: c.893A>G (NM_021007.2); c.893A>G, p.Asn298Ser (NM_001040143.2, NM_001371246.1, NM_001371247.1 and 1 more transcripts); short protein forms N298S.
Identifiers: ClinVar variation 2939721 (VCV002939721.4), dbSNP rs963798143, ClinGen allele CA59728758.